The following is an entry in ClinVar:

NM_020831.6(MRTFA):c.369G>T (p.Glu123Asp)

Gene: MRTFA (myocardin related transcription factor A; minus strand). Cytogenetic location: 22q13.1.
Variant type: single nucleotide variant.
Coding change: c.369G>T on transcript NM_020831.6 (MANE Select); coding-DNA position 369, G replaced by T.
Protein change: p.Glu123Asp; replaces glutamic acid 123 with aspartic acid.
Molecular consequence: missense variant.
Genome position (GRCh38, 1-based): chr22:40,431,475, C>A on the plus strand (G>T on the coding strand, the complement: MRTFA is on the minus strand). VCF-style: chr22-40431475-C-A. GRCh37 (hg19) VCF-style: chr22-40827479-C-A.
Other names: c.69G>T, p.Glu23Asp (NM_001282660.2); c.369G>T, p.Glu123Asp (NM_001282661.3, NM_001282662.3); c.174G>T, p.Glu58Asp (NM_001318139.2); short protein forms E123D, E23D, E58D.
Identifiers: ClinVar variation 4804829 (VCV004804829.1).

ClinVar aggregate classification (germline): Uncertain significance (1 of 4 stars; one submission).

Submission:

Labcorp Genetics (formerly Invitae), Labcorp
Classification: Uncertain significance. Last evaluated: 2025-08-10. Review status: criteria provided, single submitter. Criteria: Invitae Variant Classification Sherloc (09022015). Collection method: clinical testing. Allele origin: germline.
Comment: This sequence change replaces glutamic acid, which is acidic and polar, with aspartic acid, which is acidic and polar, at codon 23 of the MKL1 protein (p.Glu23Asp). This variant is not present in population databases (gnomAD no frequency). This variant has not been reported in the literature in individuals affected with MKL1-related conditions. An algorithm developed to predict the effect of missense changes on protein structure and function (PolyPhen-2) suggests that this variant is likely to be tolerated. In summary, the available evidence is currently insufficient to determine the role of this variant in disease. Therefore, it has been classified as a Variant of Uncertain Significance.